The following is an entry in ClinVar:

NM_015909.4(NBAS):c.4186G>C (p.Val1396Leu)

Gene: NBAS (NBAS subunit of NRZ tethering complex; minus strand). Cytogenetic location: 2p24.3.
Variant type: single nucleotide variant.
Coding change: c.4186G>C on transcript NM_015909.4 (MANE Select); coding-DNA position 4186, G replaced by C.
Protein change: p.Val1396Leu; replaces valine 1396 with leucine.
Molecular consequence: missense variant. On other transcripts: non-coding transcript variant (1).
Genome position (GRCh38, 1-based): chr2:15,330,759, C>G on the plus strand (G>C on the coding strand, the complement: NBAS is on the minus strand). VCF-style: chr2-15330759-C-G. GRCh37 (hg19) VCF-style: chr2-15470883-C-G.
Other names: short protein forms V1396L.
Identifiers: ClinVar variation 2047002 (VCV002047002.4), dbSNP rs1157269771, ClinGen allele CA345881820.

ClinVar aggregate classification (germline): Uncertain significance (1 of 4 stars; one submission).

Allele frequency attached by ClinVar (database versions not stated): gnomAD exomes below 0.00001.
gnomAD v4.1: 1 of 1,613,822 alleles (0.000062%); highest among the groups gnomAD compares: Non-Finnish European, 0.000085%; no homozygotes.

Submission:

Labcorp Genetics (formerly Invitae), Labcorp
Classification: Uncertain significance. Last evaluated: 2022-06-10. Review status: criteria provided, single submitter. Criteria: Invitae Variant Classification Sherloc (09022015). Collection method: clinical testing. Allele origin: germline.
Comment: In summary, the available evidence is currently insufficient to determine the role of this variant in disease. Therefore, it has been classified as a Variant of Uncertain Significance. Algorithms developed to predict the effect of missense changes on protein structure and function output the following: SIFT: "Deleterious"; PolyPhen-2: "Benign"; Align-GVGD: "Class C25". The leucine amino acid residue is found in multiple mammalian species, which suggests that this missense change does not adversely affect protein function. This variant has not been reported in the literature in individuals affected with NBAS-related conditions. This variant is present in population databases (no rsID available, gnomAD 0.0009%). This sequence change replaces valine, which is neutral and non-polar, with leucine, which is neutral and non-polar, at codon 1396 of the NBAS protein (p.Val1396Leu).